The following is an entry in ClinVar:

NM_001127198.5(TMC6):c.364C>T (p.Arg122Cys)

Gene: TMC6 (transmembrane channel like 6; minus strand). Cytogenetic location: 17q25.3.
Variant type: single nucleotide variant.
Coding change: c.364C>T on transcript NM_001127198.5 (MANE Select); coding-DNA position 364, C replaced by T.
Protein change: p.Arg122Cys; replaces arginine 122 with cysteine.
Molecular consequence: missense variant. On other transcripts: non-coding transcript variant (4).
Genome position (GRCh38, 1-based): chr17:78,125,792, G>A on the plus strand (C>T on the coding strand, the complement: TMC6 is on the minus strand). VCF-style: chr17-78125792-G-A. GRCh37 (hg19) VCF-style: chr17-76121873-G-A.
Other names: c.364C>T, p.Arg122Cys (NM_001321185.1, NM_001374593.1, NM_001374594.1 and 4 more transcripts); short protein forms R122C.
Identifiers: ClinVar variation 663320 (VCV000663320.5), dbSNP rs775694083, ClinGen allele CA8796150.
Genomic context (GRCh38, chr17:78,125,792, plus strand): 5'-CCTCCAGGGCCGTGGGGTCCAGCTCCAGGTCGTACAGGCGGAGGCTGGGCCAGGCGGAGC[G>A]GACAAAGTTCCCGAGCAGGGGCCGGCTGCTCCTGCACCGAAGCTGCACCGTGCGGTTGTA-3'
Protein context (NP_001120670.1, residues 112-132): SSRPLLGNFV[Arg122Cys]SAWPSLRLYD

ClinVar aggregate classification (germline): Uncertain significance (1 of 4 stars; one submission).

Conditions:
Epidermodysplasia verruciformis. Identifiers: Orphanet 302, MedGen C0014522, MONDO:0009176.

Allele frequency attached by ClinVar (database versions not stated): ExAC 0.00004; gnomAD 0.00005; gnomAD exomes 0.00005 and 0.00008; TOPMed 0.00006.

Submission:

Labcorp Genetics (formerly Invitae), Labcorp
Classification: Uncertain significance for Epidermodysplasia verruciformis. Last evaluated: 2022-10-17. Review status: criteria provided, single submitter. Criteria: Invitae Variant Classification Sherloc (09022015). Collection method: clinical testing. Allele origin: germline.
Comment: This sequence change replaces arginine, which is basic and polar, with cysteine, which is neutral and slightly polar, at codon 122 of the TMC6 protein (p.Arg122Cys). This variant is present in population databases (rs775694083, gnomAD 0.05%). This variant has not been reported in the literature in individuals affected with TMC6-related conditions. ClinVar contains an entry for this variant (Variation ID: 663320). Algorithms developed to predict the effect of missense changes on protein structure and function output the following: SIFT: "Not Available"; PolyPhen-2: "Benign"; Align-GVGD: "Not Available". The cysteine amino acid residue is found in multiple mammalian species, which suggests that this missense change does not adversely affect protein function. In summary, the available evidence is currently insufficient to determine the role of this variant in disease. Therefore, it has been classified as a Variant of Uncertain Significance.